The following is an entry in ClinVar:

ClinVar aggregate classification (germline): Uncertain significance. Review status: criteria provided, multiple submitters, no conflicts (2 of 4 stars). 2 submissions from 2 submitters: Uncertain significance (2). Last evaluated 2026-01-28.

Conditions:
Early-infantile DEE. Also called: Early infantile epileptic encephalopathy with suppression bursts; Early infantile epileptic encephalopathy; Ohtahara syndrome. Identifiers: Orphanet 1934, MedGen C0393706, MONDO:0800491.

Allele frequency attached by ClinVar (database versions not stated): gnomAD 0.00001; gnomAD exomes 0.00002 and 0.00003; TOPMed 0.00002; ExAC 0.00005.
gnomAD v4.1: 33 of 1,609,656 alleles (0.0021%); highest among the groups gnomAD compares: South Asian, 0.011%; no homozygotes.

Submissions (2):

Labcorp Genetics (formerly Invitae), Labcorp
Classification: Uncertain significance for Early-infantile DEE. Last evaluated: 2026-01-28. Review status: criteria provided, single submitter. Criteria: Invitae Variant Classification Sherloc (09022015). Collection method: clinical testing. Allele origin: germline.
Comment: This sequence change replaces threonine, which is neutral and polar, with serine, which is neutral and polar, at codon 520 of the ARHGEF15 protein (p.Thr520Ser). This variant is present in population databases (rs199645465, gnomAD 0.006%). This variant has not been reported in the literature in individuals affected with ARHGEF15-related conditions. ClinVar contains an entry for this variant (Variation ID: 644747). An algorithm developed to predict the effect of missense changes on protein structure and function (PolyPhen-2) suggests that this variant is likely to be disruptive. In summary, the available evidence is currently insufficient to determine the role of this variant in disease. Therefore, it has been classified as a Variant of Uncertain Significance.

Ambry Genetics
Classification: Uncertain significance. Last evaluated: 2021-10-26. Review status: criteria provided, single submitter. Criteria: Ambry Variant Classification Scheme 2023. Collection method: clinical testing. Allele origin: germline.

NM_173728.4(ARHGEF15):c.1559C>G (p.Thr520Ser)

Gene: ARHGEF15 (Rho guanine nucleotide exchange factor 15; plus strand). Cytogenetic location: 17p13.1.
Variant type: single nucleotide variant.
Coding change: c.1559C>G on transcript NM_173728.4 (MANE Select); coding-DNA position 1559, C replaced by G.
Protein change: p.Thr520Ser; replaces threonine 520 with serine.
Molecular consequence: missense variant.
Genome position (GRCh38, 1-based): chr17:8,315,892, C>G. VCF-style: chr17-8315892-C-G. GRCh37 (hg19) VCF-style: chr17-8219210-C-G.
Other names: c.1559C>G, p.Thr520Ser (NM_025014.2); c.1559C>G (NM_173728.3); short protein forms T520S.
Identifiers: ClinVar variation 644747 (VCV000644747.12), dbSNP rs199645465, ClinGen allele CA8375202.